The following is an entry in ClinVar:

ClinVar aggregate classification (germline): Uncertain significance (1 of 4 stars; one submission).

Conditions:
Dilated cardiomyopathy 1G (CMD1G). Identifiers: Orphanet 154, MedGen C1858763, MONDO:0011400, OMIM 604145.

gnomAD v4.1: 3 of 1,613,042 alleles (0.00019%); highest among the groups gnomAD compares: South Asian, 0.0033%; no homozygotes.

Submission:

Neuberg Centre For Genomic Medicine, NCGM
Classification: Uncertain significance for Dilated cardiomyopathy 1G. Last evaluated: 2023-06-22. Review status: criteria provided, single submitter. Criteria: ACMG Guidelines, 2015. Collection method: clinical testing. Allele origin: germline. Inheritance: Autosomal dominant inheritance. Affected: yes.
Comment: The observed missense variant c.64187C>G(p.Ala21396Gly) in TTN gene has not been reported previously as a pathogenic variant nor as a benign variant, to our knowledge. This variant is reported with 0.0004% allele frequency in gnomAD Exomes. The amino acid Ala at position 21396 is changed to a Gly changing protein sequence and it might alter its composition and physico-chemical properties. Computational evidence (Polyphen-Benign and MutationTaster-disease causing) predicts conflicting evidence on protein structure and function for this variant.The reference amino acid p.Ala21396Gly in TTN is predicted as conserved by GERP++ and PhyloP across 100 vertebrates. For these reasons, this variant has been classified as Uncertain Significance.

NM_001267550.2(TTN):c.64187C>G (p.Ala21396Gly)

Genes: TTN (titin; minus strand), TTN-AS1 (TTN antisense RNA 1; plus strand). Cytogenetic location: 2q31.2.
Variant type: single nucleotide variant.
Coding change: c.64187C>G on transcript NM_001267550.2 (MANE Select); coding-DNA position 64187, C replaced by G.
Protein change: p.Ala21396Gly; replaces alanine 21396 with glycine.
Molecular consequence: missense variant.
Genome position (GRCh38, 1-based): chr2:178,586,714, G>C on the plus strand (C>G on the coding strand, the complement: TTN is on the minus strand). VCF-style: chr2-178586714-G-C. GRCh37 (hg19) VCF-style: chr2-179451441-G-C.
Other names: c.59264C>G, p.Ala19755Gly (NM_001256850.1); c.36992C>G, p.Ala12331Gly (NM_003319.4); c.56483C>G, p.Ala18828Gly (NM_133378.4); c.37367C>G, p.Ala12456Gly (NM_133432.3); c.37568C>G, p.Ala12523Gly (NM_133437.4); short protein forms A12331G, A18828G, A21396G, A12456G, A12523G, A19755G.
Identifiers: ClinVar variation 3731288 (VCV003731288.1).